The following is an entry in ClinVar:

ClinVar aggregate classification (germline): Uncertain significance (1 of 4 stars; one submission).

Submission:

GeneDx
Classification: Uncertain significance. Last evaluated: 2025-10-20. Review status: criteria provided, single submitter. Criteria: GeneDx Variant Classification Process June 2021. Collection method: clinical testing. Allele origin: germline.
Comment: In silico analysis suggests that this missense variant does not alter protein structure/function; Has not been previously published as pathogenic or benign to our knowledge

NM_020066.5(FMN2):c.3655C>T (p.Pro1219Ser)

Gene: FMN2 (formin 2; plus strand). Cytogenetic location: 1q43.
Variant type: single nucleotide variant.
Coding change: c.3655C>T on transcript NM_020066.5 (MANE Select); coding-DNA position 3655, C replaced by T.
Protein change: p.Pro1219Ser; replaces proline 1219 with serine.
Molecular consequence: missense variant. On other transcripts: intron variant (1).
Genome position (GRCh38, 1-based): chr1:240,208,467, C>T. VCF-style: chr1-240208467-C-T. GRCh37 (hg19) VCF-style: chr1-240371767-C-T.
Other names: c.3667C>T, p.Pro1223Ser (NM_001305424.2); c.1986+20205C>T (NM_001348094.2); short protein forms P1219S, P1223S.
Identifiers: ClinVar variation 3367643 (VCV003367643.2).
Genomic context (GRCh38, chr1:240,208,467, plus strand): 5'-CCCCCTCTACCTGGTGCTGGGATTCCCCCACCTCCTCCCTTGCCAGGTATGGGGATTCCA[C>T]CTGCTCCAGCTCCCCCACTCCCTCCACCTGGGACAGGAATCCCACCGCCCCCTCTGCTTC-3'
Protein context (NP_064450.3, residues 1209-1229): PPPLPGMGIP[Pro1219Ser]APAPPLPPPG